The following is an entry in ClinVar:

ClinVar aggregate classification (germline): Uncertain significance (1 of 4 stars; one submission).

Submission:

Ambry Genetics
Classification: Uncertain significance. Last evaluated: 2022-01-17. Review status: criteria provided, single submitter. Criteria: Ambry Variant Classification Scheme 2023. Collection method: clinical testing. Allele origin: germline.
Comment: The p.S1490C variant (also known as c.4468A>T), located in coding exon 40 of the KIF1B gene, results from an A to T substitution at nucleotide position 4468. The serine at codon 1490 is replaced by cysteine, an amino acid with dissimilar properties. This amino acid position is conserved. In addition, this alteration is predicted to be tolerated by in silico analysis. Since supporting evidence is limited at this time, the clinical significance of this alteration remains unclear.

NM_001365951.3(KIF1B):c.4606A>T (p.Ser1536Cys)

Gene: KIF1B (kinesin family member 1B; plus strand). Cytogenetic location: 1p36.22.
Variant type: single nucleotide variant.
Coding change: c.4606A>T on transcript NM_001365951.3 (MANE Select); coding-DNA position 4606, A replaced by T.
Protein change: p.Ser1536Cys; replaces serine 1536 with cysteine.
Molecular consequence: missense variant.
Genome position (GRCh38, 1-based): chr1:10,365,502, A>T. VCF-style: chr1-10365502-A-T. GRCh37 (hg19) VCF-style: chr1-10425560-A-T.
Other names: c.4606A>T, p.Ser1536Cys (NM_001365952.1); c.4468A>T, p.Ser1490Cys (NM_015074.3); short protein forms S1490C, S1536C.
Identifiers: ClinVar variation 1740805 (VCV001740805.2), dbSNP rs2521914936, ClinGen allele CA338322028.
Genomic context (GRCh38, chr1:10,365,502, plus strand): 5'-GAGAGACTTGGTGACAGCATCCCCAAATCCCTGAGCGACTCGTTATCCCCCAGCCTCAGC[A>T]GTGGGACCCTCAGCACCTCCACCAGTATCTCCTCTCAGATCTCAACCACTACCTTTGAAA-3'
Protein context (NP_001352880.1, residues 1526-1546): LSDSLSPSLS[Ser1536Cys]GTLSTSTSIS